The following is an entry in ClinVar:

ClinVar aggregate classification (germline): Uncertain significance (1 of 4 stars; one submission).

Conditions:
X-linked agammaglobulinemia with growth hormone deficiency (IGHD3). Also called: FLEISHER SYNDROME; HYPOGAMMAGLOBULINEMIA AND ISOLATED GROWTH HORMONE DEFICIENCY, X-LINKED; IGHD III; Isolated growth hormone deficiency type 3; Growth hormone deficiency with hypogammaglobulinemia; ISOLATED GROWTH HORMONE DEFICIENCY, TYPE III, WITH AGAMMAGLOBULINEMIA. Identifiers: Orphanet 231692, Orphanet 631, MedGen C0472813, MONDO:0010615, OMIM 307200.

Submission:

Labcorp Genetics (formerly Invitae), Labcorp
Classification: Uncertain significance for X-linked agammaglobulinemia with growth hormone deficiency. Last evaluated: 2019-02-25. Review status: criteria provided, single submitter. Criteria: Invitae Variant Classification Sherloc (09022015). Collection method: clinical testing. Allele origin: germline.
Comment: This variant has not been reported in the literature in individuals with BTK-related conditions. In summary, the available evidence is currently insufficient to determine the role of this variant in disease. Therefore, it has been classified as a Variant of Uncertain Significance. This variant disrupts the p.Arg615 amino acid residue in BTK. Other variant(s) that disrupt this residue have been observed in individuals with BTK-related conditions (PMID: 12217331, 11742281, 16943681), which suggests that this may be a clinically significant amino acid residue. Algorithms developed to predict the effect of missense changes on protein structure and function are either unavailable or do not agree on the potential impact of this missense change (SIFT: "Tolerated"; PolyPhen-2: "Probably Damaging"; Align-GVGD: "Class C0"). This variant is not present in population databases (ExAC no frequency). This sequence change replaces arginine with leucine at codon 615 of the BTK protein (p.Arg615Leu). The arginine residue is highly conserved and there is a moderate physicochemical difference between arginine and leucine.

Literature cited by the submitters: PubMed 12217331; PubMed 11742281; PubMed 16943681.

NM_000061.3(BTK):c.1844G>T (p.Arg615Leu)

Gene: BTK (Bruton tyrosine kinase; minus strand). Cytogenetic location: Xq22.1.
Variant type: single nucleotide variant.
Coding change: c.1844G>T on transcript NM_000061.3 (MANE Select); coding-DNA position 1844, G replaced by T.
Protein change: p.Arg615Leu; replaces arginine 615 with leucine.
Molecular consequence: missense variant.
Genome position (GRCh38, 1-based): chrX:101,353,258, C>A on the plus strand (G>T on the coding strand, the complement: BTK is on the minus strand). VCF-style: chrX-101353258-C-A. GRCh37 (hg19) VCF-style: chrX-100608246-C-A.
Other names: c.1946G>T, p.Arg649Leu (NM_001287344.2); c.1316G>T, p.Arg439Leu (NM_001287345.2); short protein forms R649L, R615L, R439L.
Identifiers: ClinVar variation 855817 (VCV000855817.10), dbSNP rs1901797830, ClinGen allele CA413918868.
Genomic context (GRCh38, chrX:101,353,258, plus strand): 5'-TGCCAGCAACTGTACATGATGGTATATACCTTCTCTGAAGCCAGATGAGGCCTGTAGAGA[C>A]GTAGGCCTTGGGCAATGTGTTCAGCAGTCTCACTGTTAGTAAATCTCTCATATGGCATCT-3'
Protein context (NP_000052.1, residues 605-625): ETAEHIAQGL[Arg615Leu]LYRPHLASEK